The following is an entry in ClinVar:

ClinVar aggregate classification (germline): Uncertain significance (1 of 4 stars; one submission).

Conditions:
DICER1-related tumor predisposition. Also called: DICER1 syndrome; DICER1-related pleuropulmonary blastoma cancer predisposition syndrome. Identifiers: Orphanet 284343, MedGen C3839822, MONDO:0100216.

Allele frequency attached by ClinVar (database versions not stated): gnomAD exomes below 0.00001.
gnomAD v4.1: 1 of 1,613,760 alleles (0.000062%); highest among the groups gnomAD compares: Non-Finnish European, 0.000085%; no homozygotes.

Submission:

Labcorp Genetics (formerly Invitae), Labcorp
Classification: Uncertain significance for DICER1-related tumor predisposition. Last evaluated: 2019-06-19. Review status: criteria provided, single submitter. Criteria: Invitae Variant Classification Sherloc (09022015). Collection method: clinical testing. Allele origin: germline.
Comment: This sequence change replaces proline with histidine at codon 8 of the DICER1 protein (p.Pro8His). The proline residue is weakly conserved and there is a moderate physicochemical difference between proline and histidine. This variant is not present in population databases (ExAC no frequency). This variant has not been reported in the literature in individuals with DICER1-related conditions. Algorithms developed to predict the effect of missense changes on protein structure and function (SIFT, PolyPhen-2, Align-GVGD) all suggest that this variant is likely to be tolerated, but these predictions have not been confirmed by published functional studies and their clinical significance is uncertain. In summary, the available evidence is currently insufficient to determine the role of this variant in disease. Therefore, it has been classified as a Variant of Uncertain Significance.

NM_177438.3(DICER1):c.23C>A (p.Pro8His)

Gene: DICER1 (dicer 1, ribonuclease III; minus strand). Cytogenetic location: 14q32.13.
Variant type: single nucleotide variant.
Coding change: c.23C>A on transcript NM_177438.3 (MANE Select); coding-DNA position 23, C replaced by A.
Protein change: p.Pro8His; replaces proline 8 with histidine.
Molecular consequence: missense variant.
Genome position (GRCh38, 1-based): chr14:95,133,436, G>T on the plus strand (C>A on the coding strand, the complement: DICER1 is on the minus strand). VCF-style: chr14-95133436-G-T. GRCh37 (hg19) VCF-style: chr14-95599773-G-T.
Other names: c.23C>A, p.Pro8His (NM_001195573.1, NM_001271282.3, NM_001291628.2 and 1 more transcripts); short protein forms P8H.
Identifiers: ClinVar variation 952883 (VCV000952883.11), dbSNP rs1894130122, ClinGen allele CA390890781.